The following is an entry in ClinVar:

NM_000138.5(FBN1):c.8543A>C (p.Lys2848Thr)

Gene: FBN1 (fibrillin 1; minus strand). Cytogenetic location: 15q21.1.
Variant type: single nucleotide variant.
Coding change: c.8543A>C on transcript NM_000138.5 (MANE Select); coding-DNA position 8543, A replaced by C.
Protein change: p.Lys2848Thr; replaces lysine 2848 with threonine.
Molecular consequence: missense variant.
Genome position (GRCh38, 1-based): chr15:48,411,063, T>G on the plus strand (A>C on the coding strand, the complement: FBN1 is on the minus strand). VCF-style: chr15-48411063-T-G. GRCh37 (hg19) VCF-style: chr15-48703260-T-G.
Other names: short protein forms K2848T.
Identifiers: ClinVar variation 228689 (VCV000228689.13), dbSNP rs765839151, ClinGen allele CA10576988.
Genomic context (GRCh38, chr15:48,411,063, plus strand): 5'-ACCTGGATTTTCATCTTCAGATTATCACCCAGTTCACCACTGAGGTAGTCTTTGTCATAT[T>G]TGTCTTCTAGTTGGTTAAGTTCTTTCTTTTTATAAAGTGGAGTACTACTGATTTGTAATG-3'
Protein context (NP_000129.3, residues 2838-2858): KKKELNQLED[Lys2848Thr]YDKDYLSGEL

ClinVar aggregate classification (germline): Conflicting classifications of pathogenicity. Review status: criteria provided, conflicting classifications (1 of 4 stars). 6 submissions from 6 submitters: Uncertain significance (5); Likely benign (1). Last evaluated 2025-09-13.

Conditions:
Marfan syndrome (MFS). Also called: MARFAN SYNDROME, TYPE I; FBN1-Related Marfan Syndrome; Marfan syndrome, classic; Marfan syndrome type 1; Marfan's syndrome. Identifiers: Orphanet 284963, Orphanet 558, MedGen C0024796, MONDO:0007947, OMIM 154700.
Familial thoracic aortic aneurysm and aortic dissection (TAAD). Also called: Thoracic aortic aneurysms and dissections. Identifiers: Orphanet 91387, MedGen C4707243, MONDO:0019625.
Acromicric dysplasia (ACMICD). Also called: Acromicric skeletal dysplasia. Identifiers: Orphanet 969, MedGen C0265287, MONDO:0007055, OMIM 102370.

Allele frequency attached by ClinVar (database versions not stated): gnomAD 0.00001.
gnomAD v4.1: 6 of 1,613,848 alleles (0.00037%); highest among the groups gnomAD compares: Non-Finnish European, 0.00051%; no homozygotes.

Submissions (6):

Labcorp Genetics (formerly Invitae), Labcorp
Classification: Likely benign for Marfan syndrome; Familial thoracic aortic aneurysm and aortic dissection. Last evaluated: 2025-09-13. Review status: criteria provided, single submitter. Criteria: Invitae Variant Classification Sherloc (09022015). Collection method: clinical testing. Allele origin: germline.

Color Diagnostics, LLC DBA Color Health
Classification: Uncertain significance for Familial thoracic aortic aneurysm and aortic dissection. Last evaluated: 2025-04-01. Review status: criteria provided, single submitter. Criteria: ACMG Guidelines, 2015. Collection method: clinical testing. Allele origin: germline.
Comment: This missense variant replaces lysine with threonine at codon 2848 of the FBN1 protein. Computational prediction suggests that this variant may not impact protein structure and function. To our knowledge, functional studies have not been reported for this variant. This variant has not been reported in individuals affected with FBN1-related disorders in the literature. This variant has been identified in 3/282572 chromosomes in the general population by the Genome Aggregation Database (gnomAD). The available evidence is insufficient to determine the role of this variant in disease conclusively. Therefore, this variant is classified as a Variant of Uncertain Significance.

All of Us Research Program, National Institutes of Health
Classification: Uncertain significance for Marfan syndrome. Last evaluated: 2024-05-14. Review status: criteria provided, single submitter. Criteria: ACMG Guidelines, 2015. Collection method: clinical testing. Allele origin: germline. Inheritance: Autosomal dominant inheritance. Observed: 7 variant alleles, 7 heterozygotes.
Comment: This missense variant replaces lysine with threonine at codon 2848 of the FBN1 protein. Computational prediction suggests that this variant may not impact protein structure and function (internally defined REVEL score threshold <= 0.5, PMID: 27666373). To our knowledge, functional studies have not been reported for this variant. This variant has not been reported in individuals affected with cardiovascular disorders in the literature. This variant has been identified in 3/282572 chromosomes in the general population by the Genome Aggregation Database (gnomAD). The available evidence is insufficient to determine the role of this variant in disease conclusively. Therefore, this variant is classified as a Variant of Uncertain Significance.

This study involves interpretation of variants in research participants for the purpose of population health screening. Participant phenotype was not available at the time of variant classification. Additional details can be found in publication PMID: 35346344, PMCID: PMC8962531

Blueprint Genetics
Classification: Uncertain significance. Last evaluated: 2021-03-13. Review status: criteria provided, single submitter. Criteria: ACMG Guidelines, 2015. Collection method: clinical testing. Allele origin: germline.

Baylor Genetics
Classification: Uncertain significance for Acromicric dysplasia. Last evaluated: 2020-01-22. Review status: criteria provided, single submitter. Criteria: ACMG Guidelines, 2015. Collection method: clinical testing. Allele origin: unknown. Affected: yes.
Comment: This variant was determined to be of uncertain significance according to ACMG Guidelines, 2015 [PMID:25741868].

Laboratory for Molecular Medicine, Mass General Brigham Personalized Medicine
Classification: Uncertain significance. Last evaluated: 2015-01-15. Review status: criteria provided, single submitter. Criteria: LMM Criteria. Collection method: clinical testing. Allele origin: germline. Observed: 1 variant allele.
Comment: The p.Lys2848Thr variant in FBN1 has not been previously reported in individuals with Marfan syndrome or in large population studies. Lysine (Lys) at position 2 848 is not conserved in mammals or evolutionarily distant species and another va riant at this position (p.Lys2848Gln) has been identified in 0.2% (21/11564) of Latino chromosomes by the Exome Aggregation Consortium (Exome Aggregation Consor tium (ExAC) raising the possibility that a chang e at this position may be tolerated. In summary, the clinical significance of th e p.Lys2848Thr variant is uncertain.